The following is an entry in ClinVar:

ClinVar aggregate classification (germline): Pathogenic (1 of 4 stars; one submission).

Conditions:
Fanconi anemia (FA). Also called: Fanconi's anemia. Identifiers: Orphanet 84, MedGen C0015625, MeSH D005199, MONDO:0019391.

Submission:

Labcorp Genetics (formerly Invitae), Labcorp
Classification: Pathogenic for Fanconi anemia. Last evaluated: 2023-02-25. Review status: criteria provided, single submitter. Criteria: Invitae Variant Classification Sherloc (09022015). Collection method: clinical testing. Allele origin: germline.
Comment: For these reasons, this variant has been classified as Pathogenic. This variant has not been reported in the literature in individuals affected with FANCD2-related conditions. This variant is not present in population databases (gnomAD no frequency). This sequence change creates a premature translational stop signal (p.His937Ilefs*5) in the FANCD2 gene. It is expected to result in an absent or disrupted protein product. Loss-of-function variants in FANCD2 are known to be pathogenic (PMID: 17436244).

Literature cited by the submitters: PubMed 17436244.

NM_001018115.3(FANCD2):c.2809del (p.His937fs)

Genes: FANCD2 (FA complementation group D2; plus strand), LOC107303338 (3p25 FANCD2 Alu-mediated recombination region; plus strand). Cytogenetic location: 3p25.3.
Variant type: Deletion.
Coding change: c.2809del on transcript NM_001018115.3 (MANE Select); coding-DNA position 2809, one base deleted (C; older notation c.2809delC).
Protein change: p.His937fs; shifts the reading frame from histidine 937.
Molecular consequence: frameshift variant.
Genome position (GRCh38, 1-based): chr3:10,074,623, C deleted. VCF-style (leftmost placement, unchanged base first): chr3-10074622-AC-A. GRCh37 (hg19) VCF-style: chr3-10116306-AC-A.
Other names: c.2809del, p.His937fs (NM_001319984.2, NM_001374254.1, NM_033084.6); c.2698del, p.His900fs (NM_001374253.1); short protein forms H900fs, H937fs.
Identifiers: ClinVar variation 2808522 (VCV002808522.3), dbSNP rs2469997242, ClinGen allele CA2739277853.
Genomic context (GRCh38, chr3:10,074,622, plus strand): 5'-GTTACTACATAATTCCCATGCTTTTTTCCGAGAGCTGGACATTGAGGTCTTCTCTATTCT[AC>A]ATTGTGGACTTGTGACGAAGTTCATCTTAGATACTGAAATGCACACTGAAGTAAGTGACA-3'